The following is an entry in ClinVar:

NM_001145715.3(KPNA7):c.907T>C (p.Ser303Pro)

Gene: KPNA7 (karyopherin subunit alpha 7; minus strand). Cytogenetic location: 7q22.1.
Variant type: single nucleotide variant.
Coding change: c.907T>C on transcript NM_001145715.3 (MANE Select); coding-DNA position 907, T replaced by C.
Protein change: p.Ser303Pro; replaces serine 303 with proline.
Molecular consequence: missense variant.
Genome position (GRCh38, 1-based): chr7:99,185,156, A>G on the plus strand (T>C on the coding strand, the complement: KPNA7 is on the minus strand). VCF-style: chr7-99185156-A-G. GRCh37 (hg19) VCF-style: chr7-98782779-A-G.
Other names: c.907T>C (NM_001145715.1); short protein forms S303P.
Identifiers: ClinVar variation 1019211 (VCV001019211.8), dbSNP rs749716497, ClinGen allele CA4363163.

ClinVar aggregate classification (germline): Uncertain significance. Review status: criteria provided, multiple submitters, no conflicts (2 of 4 stars). 2 submissions from 2 submitters: Uncertain significance (2). Last evaluated 2023-01-23.

Allele frequency attached by ClinVar (database versions not stated): gnomAD exomes 0.00003 and 0.00006; ExAC 0.00004; gnomAD 0.00006 and 0.00007; TOPMed 0.00007.
gnomAD v4.1: 91 of 1,550,776 alleles (0.0059%); highest among the groups gnomAD compares: Middle Eastern, 0.017%; no homozygotes.

Submissions (2):

Ambry Genetics
Classification: Uncertain significance. Last evaluated: 2023-01-23. Review status: criteria provided, single submitter. Criteria: Ambry Variant Classification Scheme 2023. Collection method: clinical testing. Allele origin: germline.

Labcorp Genetics (formerly Invitae), Labcorp
Classification: Uncertain significance. Last evaluated: 2021-08-27. Review status: criteria provided, single submitter. Criteria: Invitae Variant Classification Sherloc (09022015). Collection method: clinical testing. Allele origin: germline.
Comment: This sequence change replaces serine with proline at codon 303 of the KPNA7 protein (p.Ser303Pro). The serine residue is weakly conserved and there is a moderate physicochemical difference between serine and proline. This variant is present in population databases (rs749716497, ExAC 0.01%). This variant has not been reported in the literature in individuals affected with KPNA7-related conditions. Algorithms developed to predict the effect of missense changes on protein structure and function are either unavailable or do not agree on the potential impact of this missense change (SIFT: "Tolerated"; PolyPhen-2: "Probably Damaging"; Align-GVGD: "Class C0"). In summary, the available evidence is currently insufficient to determine the role of this variant in disease. Therefore, it has been classified as a Variant of Uncertain Significance.